The following is an entry in ClinVar:

ClinVar aggregate classification (germline): Uncertain significance (1 of 4 stars; one submission).

gnomAD v4.1: 7 of 1,612,252 alleles (0.00043%); highest among the groups gnomAD compares: Non-Finnish European, 0.00059%; no homozygotes.

Submission:

GeneDx
Classification: Uncertain significance. Last evaluated: 2023-05-02. Review status: criteria provided, single submitter. Criteria: GeneDx Variant Classification Process June 2021. Collection method: clinical testing. Allele origin: germline. Affected: yes.
Comment: Not observed at significant frequency in large population cohorts (gnomAD); In silico analysis supports that this missense variant has a deleterious effect on protein structure/function; Has not been previously published as pathogenic or benign to our knowledge

NM_005862.3(STAG1):c.3325C>T (p.Pro1109Ser)

Gene: STAG1 (STAG1 cohesin complex component; minus strand). Cytogenetic location: 3q22.3.
Variant type: single nucleotide variant.
Coding change: c.3325C>T on transcript NM_005862.3 (MANE Select); coding-DNA position 3325, C replaced by T.
Protein change: p.Pro1109Ser; replaces proline 1109 with serine.
Molecular consequence: missense variant.
Genome position (GRCh38, 1-based): chr3:136,343,953, G>A on the plus strand (C>T on the coding strand, the complement: STAG1 is on the minus strand). VCF-style: chr3-136343953-G-A. GRCh37 (hg19) VCF-style: chr3-136062795-G-A.
Other names: short protein forms P1109S.
Identifiers: ClinVar variation 2663188 (VCV002663188.1), dbSNP rs2530032072, ClinGen allele CA354653086.